The following is an entry in ClinVar:

NM_032482.3(DOT1L):c.3314C>G (p.Pro1105Arg)

Gene: DOT1L (DOT1 like histone lysine methyltransferase; plus strand). Cytogenetic location: 19p13.3.
Variant type: single nucleotide variant.
Coding change: c.3314C>G on transcript NM_032482.3 (MANE Select); coding-DNA position 3314, C replaced by G.
Protein change: p.Pro1105Arg; replaces proline 1105 with arginine.
Molecular consequence: missense variant.
Genome position (GRCh38, 1-based): chr19:2,222,483, C>G. VCF-style: chr19-2222483-C-G. GRCh37 (hg19) VCF-style: chr19-2222482-C-G.
Other names: c.3314C>G, p.Pro1105Arg (NM_001411141.1); short protein forms P1105R.
Identifiers: ClinVar variation 4538813 (VCV004538813.1).

ClinVar aggregate classification (germline): Uncertain significance (1 of 4 stars; one submission).

Submission:

GeneDx
Classification: Uncertain significance. Last evaluated: 2025-06-21. Review status: criteria provided, single submitter. Criteria: GeneDx Variant Classification Process June 2021. Collection method: clinical testing. Allele origin: germline. Affected: yes.
Comment: Not observed at significant frequency in large population cohorts (gnomAD); In silico analysis supports that this missense variant has a deleterious effect on protein structure/function; Has not been previously published as pathogenic or benign to our knowledge